The following is an entry in ClinVar:

ClinVar aggregate classification (germline): Pathogenic (1 of 4 stars; one submission).

Conditions:
Granulomatous disease, chronic, X-linked. Also called: CYTOCHROME b-NEGATIVE GRANULOMATOUS DISEASE, CHRONIC, X-LINKED; GRANULOMATOUS DISEASE, CHRONIC, X-LINKED, SOMATIC MOSAIC. Identifiers: Orphanet 379, MedGen C1844376, MONDO:0010600, OMIM 306400.

Submission:

Labcorp Genetics (formerly Invitae), Labcorp
Classification: Pathogenic for Granulomatous disease, chronic, X-linked. Last evaluated: 2022-01-14. Review status: criteria provided, single submitter. Criteria: Invitae Variant Classification Sherloc (09022015). Collection method: clinical testing. Allele origin: germline.
Comment: For these reasons, this variant has been classified as Pathogenic. This premature translational stop signal has been observed in individual(s) with chronic granulomatous disease (PMID: 9585602, 20729109, 29560547). Information on the frequency of this variant in the gnomAD database is not available, as this variant may be reported differently in the database. This sequence change creates a premature translational stop signal (p.Trp380*) in the CYBB gene. It is expected to result in an absent or disrupted protein product. Loss-of-function variants in CYBB are known to be pathogenic (PMID: 9585602, 20729109).

Literature cited by the submitters: PubMed 9585602; PubMed 20729109; PubMed 29560547.

NM_000397.4(CYBB):c.1139_1140delinsAA (p.Trp380Ter)

Gene: CYBB (cytochrome b-245 beta chain; plus strand). Cytogenetic location: Xp11.4.
Variant type: Indel.
Coding change: c.1139_1140delinsAA on transcript NM_000397.4 (MANE Select); coding-DNA positions 1139 to 1140, GG replaced by AA.
Protein change: p.Trp380Ter; replaces tryptophan 380 with a stop codon.
Molecular consequence: nonsense.
Genome position (GRCh38, 1-based): chrX:37,804,118-37,804,119, GG replaced by AA. VCF-style: chrX-37804118-GG-AA. GRCh37 (hg19) VCF-style: chrX-37663371-GG-AA.
Other names: short protein forms W380*.
Identifiers: ClinVar variation 1454311 (VCV001454311.8), dbSNP rs2146817260, ClinGen allele CA2573158645.